The following is an entry in ClinVar:

ClinVar aggregate classification (germline): Uncertain significance (1 of 4 stars; one submission).

Conditions:
Immunodeficiency 39 (IMD39). Identifiers: Orphanet 574918, MedGen C4225358, MONDO:0014597, OMIM 616345.

Submission:

Labcorp Genetics (formerly Invitae), Labcorp
Classification: Uncertain significance for Immunodeficiency 39. Last evaluated: 2019-08-06. Review status: criteria provided, single submitter. Criteria: Invitae Variant Classification Sherloc (09022015). Collection method: clinical testing. Allele origin: germline.
Comment: In summary, the available evidence is currently insufficient to determine the role of this variant in disease. Therefore, it has been classified as a Variant of Uncertain Significance. Algorithms developed to predict the effect of missense changes on protein structure and function (SIFT, PolyPhen-2, Align-GVGD) all suggest that this variant is likely to be tolerated, but these predictions have not been confirmed by published functional studies and their clinical significance is uncertain. This variant has not been reported in the literature in individuals with IRF7-related conditions. This sequence change replaces aspartic acid with tyrosine at codon 217 of the IRF7 protein (p.Asp217Tyr). The aspartic acid residue is weakly conserved and there is a large physicochemical difference between aspartic acid and tyrosine. This variant is not present in population databases (ExAC no frequency).

NM_001572.5(IRF7):c.610G>T (p.Asp204Tyr)

Gene: IRF7 (interferon regulatory factor 7; minus strand). Cytogenetic location: 11p15.5.
Variant type: single nucleotide variant.
Coding change: c.610G>T on transcript NM_001572.5 (MANE Select); coding-DNA position 610, G replaced by T.
Protein change: p.Asp204Tyr; replaces aspartic acid 204 with tyrosine.
Molecular consequence: missense variant.
Genome position (GRCh38, 1-based): chr11:614,243, C>A on the plus strand (G>T on the coding strand, the complement: IRF7 is on the minus strand). VCF-style: chr11-614243-C-A. GRCh37 (hg19) VCF-style: chr11-614243-C-A.
Other names: c.610G>T, p.Asp204Tyr (NM_004029.4); c.649G>T, p.Asp217Tyr (NM_004031.4); short protein forms D204Y, D217Y.
Identifiers: ClinVar variation 961393 (VCV000961393.9), dbSNP rs41313489, ClinGen allele CA378981646.
Genomic context (GRCh38, chr11:614,243, plus strand): 5'-AGGCCCCAGTCAGGGGAAGCCCTTCTTGTCCCTCTCCAGGAGCCTTGGTTGGGACTGGAT[C>A]TGCCCCCCATGACGCTGTCAGCAGATGGTCTGCCAGGCAGCTCTGTTGCACTGCCTGGAG-3'
Protein context (NP_001563.2, residues 194-214): DHLLTASWGA[Asp204Tyr]PVPTKAPGEG